The following is an entry in ClinVar:

ClinVar aggregate classification (germline): Pathogenic. Review status: criteria provided, single submitter (1 of 4 stars). 2 submissions from 2 submitters: Pathogenic (1). 1 of the submissions does not count toward it. Last evaluated 2023-09-11.

Conditions:
Spastic paraplegia. Identifiers: MedGen C0037772, HP:0001258.
Charlevoix-Saguenay spastic ataxia (SACS). Also called: SPASTIC ATAXIA 6, AUTOSOMAL RECESSIVE; AUTOSOMAL RECESSIVE SPASTIC ATAXIA OF CHARLEVOIX-SAGUENAY; Spastic ataxia of Charlevoix-Saguenay. Identifiers: Orphanet 98, MedGen C1849140, MONDO:0010041, OMIM 270550.

Submissions (2):

Labcorp Genetics (formerly Invitae), Labcorp
Classification: Pathogenic for Spastic paraplegia. Last evaluated: 2023-09-11. Review status: criteria provided, single submitter. Criteria: Invitae Variant Classification Sherloc (09022015). Collection method: clinical testing. Allele origin: germline.
Comment: This variant has not been reported in the literature in individuals affected with SACS-related conditions. This sequence change creates a premature translational stop signal (p.Ser1692*) in the SACS gene. While this is not anticipated to result in nonsense mediated decay, it is expected to disrupt the last 2888 amino acid(s) of the SACS protein. This variant is not present in population databases (gnomAD no frequency). ClinVar contains an entry for this variant (Variation ID: 552202). This variant disrupts a region of the SACS protein in which other variant(s) (p.Arg3903*) have been determined to be pathogenic (PMID: 19892370, 21745802). This suggests that this is a clinically significant region of the protein, and that variants that disrupt it are likely to be disease-causing. For these reasons, this variant has been classified as Pathogenic.

Counsyl
Classification: Likely pathogenic for Charlevoix-Saguenay spastic ataxia. Last evaluated: 2017-05-30. Review status: no assertion criteria provided. Collection method: clinical testing. Allele origin: unknown. Not counted in ClinVar's aggregate classification.

Literature cited by the submitters: PubMed 19892370 (cited by Labcorp Genetics (formerly Invitae), Labcorp); PubMed 21745802 (cited by Labcorp Genetics (formerly Invitae), Labcorp).

NM_014363.6(SACS):c.5075C>A (p.Ser1692Ter)

Gene: SACS (sacsin molecular chaperone; minus strand). Cytogenetic location: 13q12.12.
Variant type: single nucleotide variant.
Coding change: c.5075C>A on transcript NM_014363.6 (MANE Select); coding-DNA position 5075, C replaced by A.
Protein change: p.Ser1692Ter; replaces serine 1692 with a stop codon.
Molecular consequence: nonsense.
Genome position (GRCh38, 1-based): chr13:23,338,801, G>T on the plus strand (C>A on the coding strand, the complement: SACS is on the minus strand). VCF-style: chr13-23338801-G-T. GRCh37 (hg19) VCF-style: chr13-23912940-G-T.
Other names: c.4634C>A, p.Ser1545Ter (NM_001278055.2); short protein forms S1692*, S1545*.
Identifiers: ClinVar variation 552202 (VCV000552202.5), dbSNP rs1555252184, ClinGen allele CA387526652.